The following is an entry in ClinVar:

ClinVar aggregate classification (germline): Uncertain significance (1 of 4 stars; one submission).

Submission:

GeneDx
Classification: Uncertain significance. Last evaluated: 2017-07-21. Review status: criteria provided, single submitter. Criteria: GeneDx Variant Classification (06012015). Collection method: clinical testing. Allele origin: germline. Affected: yes.
Comment: The c.2974_2976delGAG variant in the MORC2 gene has not been reported previously as a pathogenic variant nor as a benign variant, to our knowledge. The c.2974_2976delGAG variant causes an in frame deletion of one amino acid, Glutamic Acid 992, denoted p.Glu992del. This deletion occurs at a residue (Glu992) that is conserved in mammals. The c.2974_2976delGAG variant is not observed in large population cohorts (Lek et al., 2016; 1000 Genomes Consortium et al., 2015; Exome Variant Server). We interpret c.2974_2976delGAG as a variant of uncertain significance.

NM_001303256.3(MORC2):c.2971GAG[1] (p.Glu992del)

Gene: MORC2 (MORC family CW-type zinc finger 2; minus strand). Cytogenetic location: 22q12.2.
Variant type: Microsatellite.
Coding change: c.2971GAG[1] on transcript NM_001303256.3 (MANE Select); one copy of the 3-base unit GAG starting at c.2971; the reference has two copies in a row; one copy, 3 bases deleted.
Protein change: p.Glu992del; deletes glutamic acid 992.
Molecular consequence: inframe deletion.
Genome position (GRCh38, 1-based): chr22:30,928,073-30,928,075, CTC deleted on the plus strand (GAG on the coding strand, the reverse complement: MORC2 is on the minus strand); deleting any 3 consecutive bases within chr22:30,928,073-30,928,079 gives the same sequence; the position shown is the placement nearest the transcript's 3' end. VCF-style (leftmost placement, unchanged base first): chr22-30928072-TCTC-T. GRCh37 (hg19) VCF-style: chr22-31324059-TCTC-T.
Other names: c.2971GAG[1], p.Glu992del (NM_001303257.2); c.2785GAG[1], p.Glu930del (NM_014941.3); short protein forms E992del, E930del.
Identifiers: ClinVar variation 450811 (VCV000450811.2), dbSNP rs1555935291, ClinGen allele CA658658919.
Genomic context (GRCh38, chr22:30,928,072, plus strand): 5'-GGCTCACCTCCTGCACCTTTTGCAGGAGTGCCACGATGTTGGTCCTCAGCTTCTGCAGCT[TCTC>T]CTCCGTCTCGCGGAGCTTCCTCTCGGAGGTGCGCAGGCTTTCCTCGGAGGCCTTGGCCCG-3'